The following is an entry in ClinVar:

ClinVar aggregate classification (germline): Conflicting classifications of pathogenicity. Review status: criteria provided, conflicting classifications (1 of 4 stars). 5 submissions from 5 submitters: Likely pathogenic (1); Uncertain significance (4). Last evaluated 2025-08-11.

Conditions:
Inborn genetic diseases. Identifiers: MedGen C0950123, MeSH D030342.
Tyrosinemia type I (TYRSN1). Also called: FAH DEFICIENCY; Deficiency of fumarylacetoacetase; HEPATORENAL TYROSINEMIA; Tyrosinemia type 1; Fumarylacetoacetase deficiency. Identifiers: Orphanet 882, MedGen C0268490, MONDO:0010161, OMIM 276700. Disease mechanism: loss of function.

Allele frequency attached by ClinVar (database versions not stated): gnomAD exomes below 0.00001; gnomAD 0.00001; TOPMed 0.00001.
gnomAD v4.1: 8 of 1,605,252 alleles (0.0005%); highest among the groups gnomAD compares: Admixed American, 0.0033%; no homozygotes.

Submissions (5):

Myriad Genetics, Inc.
Classification: Uncertain significance for Tyrosinemia type I. Last evaluated: 2025-08-11. Review status: criteria provided, single submitter. Criteria: Myriad Autosomal Dominant, Autosomal Recessive and X-Linked Classification Criteria (2023). Collection method: clinical testing. Allele origin: unknown.
Comment: NM_000137.2(FAH):c.1057G>A(G353R) is a missense variant classified as a variant of uncertain significance in the context of tyrosinemia type I. G353R has not been observed in cases with relevant disease. Relevant functional assessments of this variant are not available in the literature. G353R has been observed in referenced population frequency databases. In summary, there is insufficient evidence to classify NM_000137.2(FAH):c.1057G>A(G353R) as pathogenic or benign. Please note: this variant was assessed in the context of healthy population screening.

Ambry Genetics
Classification: Uncertain significance for Inborn genetic diseases. Last evaluated: 2024-09-26. Review status: criteria provided, single submitter. Criteria: Ambry Variant Classification Scheme 2023. Collection method: clinical testing. Allele origin: germline.

Labcorp Genetics (formerly Invitae), Labcorp
Classification: Likely pathogenic for Tyrosinemia type I. Last evaluated: 2024-04-01. Review status: criteria provided, single submitter. Criteria: Invitae Variant Classification Sherloc (09022015). Collection method: clinical testing. Allele origin: germline.
Comment: This sequence change replaces glycine, which is neutral and non-polar, with arginine, which is basic and polar, at codon 353 of the FAH protein (p.Gly353Arg). This variant is present in population databases (no rsID available, gnomAD 0.006%). This missense change has been observed in individual(s) with clinical features of tyrosinemia type I (Invitae). In at least one individual the data is consistent with being in trans (on the opposite chromosome) from a pathogenic variant. ClinVar contains an entry for this variant (Variation ID: 598343). Advanced modeling of protein sequence and biophysical properties (such as structural, functional, and spatial information, amino acid conservation, physicochemical variation, residue mobility, and thermodynamic stability) performed at Invitae indicates that this missense variant is expected to disrupt FAH protein function with a positive predictive value of 80%. In summary, the currently available evidence indicates that the variant is pathogenic, but additional data are needed to prove that conclusively. Therefore, this variant has been classified as Likely Pathogenic.

Blueprint Genetics
Classification: Uncertain significance. Last evaluated: 2023-05-04. Review status: criteria provided, single submitter. Criteria: ACMG Guidelines, 2015. Collection method: clinical testing. Allele origin: germline.

Eurofins Ntd Llc (ga)
Classification: Uncertain significance. Last evaluated: 2018-08-10. Review status: criteria provided, single submitter. Criteria: EGL ClinVar v180209 classification definitions. Collection method: clinical testing. Allele origin: germline. Observed: 1 variant allele, 1 heterozygote.

NM_000137.4(FAH):c.1057G>A (p.Gly353Arg)

Gene: FAH (fumarylacetoacetate hydrolase; plus strand). Cytogenetic location: 15q25.1.
Variant type: single nucleotide variant.
Coding change: c.1057G>A on transcript NM_000137.4 (MANE Select); coding-DNA position 1057, G replaced by A.
Protein change: p.Gly353Arg; replaces glycine 353 with arginine.
Molecular consequence: missense variant.
Genome position (GRCh38, 1-based): chr15:80,180,220, G>A. VCF-style: chr15-80180220-G-A. GRCh37 (hg19) VCF-style: chr15-80472562-G-A.
Other names: c.1057G>A (NM_000137.2); c.1057G>A, p.Gly353Arg (NM_001374377.1, NM_001374380.1); short protein forms G353R.
Identifiers: ClinVar variation 598343 (VCV000598343.10), dbSNP rs895743403, ClinGen allele CA274033597.